The following is an entry in ClinVar:

ClinVar aggregate classification (germline): Likely pathogenic. Review status: criteria provided, multiple submitters, no conflicts (2 of 4 stars). 2 submissions from 2 submitters: Likely pathogenic (2). Last evaluated 2024-10-04.

Conditions:
Thrombophilia with a likely monogenic cause.
Hereditary antithrombin deficiency (AT3D). Also called: Antithrombin III deficiency; Thrombophilia due to antithrombin III deficiency; Antithrombin deficiency; Reduced antithrombin III activity. Identifiers: Orphanet 82, MedGen C0272375, MONDO:0013144, OMIM 613118, HP:0001976.

Submissions (2):

North West Genomic Laboratory Hub, Manchester University NHS Foundation Trust
Classification: Likely pathogenic for Thrombophilia with a likely monogenic cause. Last evaluated: 2024-10-04. Review status: criteria provided, single submitter. Criteria: ACGS Best Practice Guidelines for Variant Classification in Rare Disease 2024. Collection method: clinical testing. Allele origin: germline. Affected: yes.
Comment: PM2_Mod PP3_Supp PP4_Supp PS4_Mod

Labcorp Genetics (formerly Invitae), Labcorp
Classification: Likely pathogenic for Hereditary antithrombin deficiency. Last evaluated: 2022-09-01. Review status: criteria provided, single submitter. Criteria: Invitae Variant Classification Sherloc (09022015). Collection method: clinical testing. Allele origin: germline.
Comment: In summary, the currently available evidence indicates that the variant is pathogenic, but additional data are needed to prove that conclusively. Therefore, this variant has been classified as Likely Pathogenic. Variants that disrupt the consensus splice site are a relatively common cause of aberrant splicing (PMID: 17576681, 9536098). Algorithms developed to predict the effect of sequence changes on RNA splicing suggest that this variant may disrupt the consensus splice site. ClinVar contains an entry for this variant (Variation ID: 645384). This variant has been observed in individuals with antithrombin deficiency (PMID: 24162787). This variant is not present in population databases (gnomAD no frequency). This sequence change falls in intron 5 of the SERPINC1 gene. It does not directly change the encoded amino acid sequence of the SERPINC1 protein. It affects a nucleotide within the consensus splice site.

Literature cited by the submitters: PubMed 17576681 (cited by Labcorp Genetics (formerly Invitae), Labcorp); PubMed 9536098 (cited by Labcorp Genetics (formerly Invitae), Labcorp); PubMed 24162787 (cited by Labcorp Genetics (formerly Invitae), Labcorp).

NM_000488.4(SERPINC1):c.1153+5G>T

Gene: SERPINC1 (serpin family C member 1; minus strand). Cytogenetic location: 1q25.1.
Variant type: single nucleotide variant.
Coding change: c.1153+5G>T on transcript NM_000488.4 (MANE Select); 5 bases into the intron after coding-DNA position 1153, G replaced by T.
Molecular consequence: intron variant.
Genome position (GRCh38, 1-based): chr1:173,909,547, C>A on the plus strand (G>T on the coding strand, the complement: SERPINC1 is on the minus strand). VCF-style: chr1-173909547-C-A. GRCh37 (hg19) VCF-style: chr1-173878685-C-A.
Other names: c.1234+5G>T (NM_001386303.1); c.937+5G>T (NM_001386306.1); c.1132+5G>T (NM_001386304.1); c.1096+5G>T (NM_001386305.1); c.1276+5G>T (NM_001386302.1); c.1009+5G>T (NM_001365052.2).
Identifiers: ClinVar variation 645384 (VCV000645384.6), dbSNP rs1572088348, ClinGen allele CA915943668.
Genomic context (GRCh38, chr1:173,909,547, plus strand): 5'-CTCTTCCACTTTTGGTCAGACTACCTTGCGGGTGGAGAAGGGAGGAAACTCCTTCCTAGA[C>A]AAACCTGGGAGTTTGGACTTTTCAGGGCTGAACAGATCGACAAGGCCCATGTCTTGCAGC-3'